The following is an entry in ClinVar:

NM_001330723.2(SNX27):c.873del (p.Lys293fs)

Gene: SNX27 (sorting nexin 27; plus strand). Cytogenetic location: 1q21.3.
Variant type: Deletion.
Coding change: c.873del on transcript NM_001330723.2 (MANE Select); coding-DNA position 873, one base deleted (T; older notation c.873delT).
Protein change: p.Lys293fs; shifts the reading frame from lysine 293.
Molecular consequence: frameshift variant.
Genome position (GRCh38, 1-based): chr1:151,662,237, T deleted; the last of 2 consecutive T bases (chr1:151,662,236-151,662,237); deleting either gives the same sequence. VCF-style (leftmost placement, unchanged base first): chr1-151662235-GT-G. GRCh37 (hg19) VCF-style: chr1-151634711-GT-G.
Other names: c.873del, p.Lys293fs (NM_030918.6); short protein forms K293fs.
Identifiers: ClinVar variation 955542 (VCV000955542.8), dbSNP rs1669994959, ClinGen allele CA1139656317.

ClinVar aggregate classification (germline): Pathogenic (1 of 4 stars; one submission).

Conditions:
Severe myoclonic epilepsy in infancy (DRVT). Also called: SEVERE MYOCLONIC EPILEPSY OF INFANCY; DEVELOPMENTAL AND EPILEPTIC ENCEPHALOPATHY 6A; Dravet syndrome; Epileptic encephalopathy, early infantile, 6 (Dravet syndrome); Severe Myoclonic Epilepsy in Infancy (SMEI). Identifiers: Orphanet 33069, MedGen C0751122, MONDO:0100135, OMIM 607208.

Submission:

Labcorp Genetics (formerly Invitae), Labcorp
Classification: Pathogenic for Severe myoclonic epilepsy in infancy. Last evaluated: 2019-09-09. Review status: criteria provided, single submitter. Criteria: Invitae Variant Classification Sherloc (09022015). Collection method: clinical testing. Allele origin: germline.
Comment: For these reasons, this variant has been classified as Pathogenic. Loss-of-function variants in SNX27 are known to be pathogenic (PMID: 25894286). This variant has not been reported in the literature in individuals with SNX27-related conditions. This variant is not present in population databases (ExAC no frequency). This sequence change creates a premature translational stop signal (p.Lys293Argfs*23) in the SNX27 gene. It is expected to result in an absent or disrupted protein product.

Literature cited by the submitters: PubMed 25894286.